The following is an entry in ClinVar:

ClinVar aggregate classification (germline): Uncertain significance (1 of 4 stars; one submission).

Conditions:
Hypertrophic cardiomyopathy 14. Identifiers: MedGen C2750467, MONDO:0013197, OMIM 613251.

Submission:

Labcorp Genetics (formerly Invitae), Labcorp
Classification: Uncertain significance for Hypertrophic cardiomyopathy 14. Last evaluated: 2018-12-25. Review status: criteria provided, single submitter. Criteria: Invitae Variant Classification Sherloc (09022015). Collection method: clinical testing. Allele origin: germline.
Comment: This sequence change replaces proline with serine at codon 151 of the MYH6 protein (p.Pro151Ser). The proline residue is weakly conserved and there is a moderate physicochemical difference between proline and serine. This variant is not present in population databases (ExAC no frequency). This variant has not been reported in the literature in individuals with MYH6-related conditions. Algorithms developed to predict the effect of missense changes on protein structure and function are either unavailable or do not agree on the potential impact of this missense change (SIFT: "Deleterious"; PolyPhen-2: "Possibly Damaging"; Align-GVGD: "Class C0"). In summary, the available evidence is currently insufficient to determine the role of this variant in disease. Therefore, it has been classified as a Variant of Uncertain Significance.

NM_002471.4(MYH6):c.451C>T (p.Pro151Ser)

Genes: MYH6 (myosin heavy chain 6; minus strand), LOC114827851 (VISTA enhancer hs2155; plus strand). Cytogenetic location: 14q11.2.
Variant type: single nucleotide variant.
Coding change: c.451C>T on transcript NM_002471.4 (MANE Select); coding-DNA position 451, C replaced by T.
Protein change: p.Pro151Ser; replaces proline 151 with serine.
Molecular consequence: missense variant.
Genome position (GRCh38, 1-based): chr14:23,405,274, G>A on the plus strand (C>T on the coding strand, the complement: MYH6 is on the minus strand). VCF-style: chr14-23405274-G-A. GRCh37 (hg19) VCF-style: chr14-23874483-G-A.
Other names: short protein forms P151S.
Identifiers: ClinVar variation 657352 (VCV000657352.8), dbSNP rs1595064466, ClinGen allele CA389030852.